The following is an entry in ClinVar:

NM_025137.4(SPG11):c.3818A>G (p.Lys1273Arg)

Gene: SPG11 (SPG11 vesicle trafficking associated, spatacsin; minus strand). Cytogenetic location: 15q21.1.
Variant type: single nucleotide variant.
Coding change: c.3818A>G on transcript NM_025137.4 (MANE Select); coding-DNA position 3818, A replaced by G.
Protein change: p.Lys1273Arg; replaces lysine 1273 with arginine.
Molecular consequence: missense variant.
Genome position (GRCh38, 1-based): chr15:44,598,705, T>C on the plus strand (A>G on the coding strand, the complement: SPG11 is on the minus strand). VCF-style: chr15-44598705-T-C. GRCh37 (hg19) VCF-style: chr15-44890903-T-C.
Other names: p.Lys1273Arg; c.3818A>G, p.Lys1273Arg (NM_001160227.2); short protein forms K1273R.
Identifiers: ClinVar variation 130365 (VCV000130365.50), dbSNP rs76389165, ClinGen allele CA155280.

ClinVar aggregate classification (germline): Conflicting classifications of pathogenicity. Review status: criteria provided, conflicting classifications (1 of 4 stars). 16 submissions from 16 submitters: Uncertain significance (1); Benign (8); Likely benign (5). 2 of the submissions do not count toward it. Last evaluated 2026-09-01.

Conditions:
Hereditary spastic paraplegia. Also called: Familial spastic paraparesis. Identifiers: Orphanet 685, MedGen C0037773, MONDO:0019064. Disease mechanism: loss of function.
Hereditary spastic paraplegia 11. Also called: Spastic paraplegia, mental retardation and thin corpus callosum; SPASTIC PARAPLEGIA, AUTOSOMAL RECESSIVE, COMPLICATED, WITH THIN CORPUS CALLOSUM; SPASTIC PARAPLEGIA, AUTOSOMAL RECESSIVE, WITH MENTAL IMPAIRMENT AND THIN CORPUS CALLOSUM; Spastic Paraplegia 11; Nakamura Osame syndrome; Autosomal recessive hereditary spastic paraplegia, mental impairment, and thin corpus callosum. Identifiers: Orphanet 2822, MedGen C1858479, MONDO:0011445, OMIM 604360.

Allele frequency attached by ClinVar (database versions not stated): gnomAD 0.00694; ESP Exome Variant Server 0.00916; TOPMed 0.00955; 1000 Genomes Project 0.01238; 1000 Genomes Project 30x 0.01421.
gnomAD v4.1: 3,315 of 1,614,194 alleles (0.21%); highest among the groups gnomAD compares: African/African-American, 2.6%; 42 homozygotes.

Submissions (16):

CeGaT Center for Human Genetics Tuebingen
Classification: Benign. Last evaluated: 2026-09-01. Review status: criteria provided, single submitter. Criteria: CeGaT Center For Human Genetics Tuebingen Variant Classification Criteria Version 2. Collection method: clinical testing. Allele origin: germline. Affected: yes. Observed: 15 variant alleles.
Comment: SPG11: BS1, BS2

Labcorp Genetics (formerly Invitae), Labcorp
Classification: Benign for Hereditary spastic paraplegia 11. Last evaluated: 2026-01-31. Review status: criteria provided, single submitter. Criteria: Invitae Variant Classification Sherloc (09022015). Collection method: clinical testing. Allele origin: germline.

Blueprint Genetics
Classification: Likely benign. Last evaluated: 2024-11-27. Review status: criteria provided, single submitter. Criteria: ACMG Guidelines, 2015. Collection method: clinical testing. Allele origin: germline.

Women's Health and Genetics/Laboratory Corporation of America, LabCorp
Classification: Likely benign. Last evaluated: 2021-12-10. Review status: criteria provided, single submitter. Criteria: LabCorp Variant Classification Summary - May 2015. Collection method: clinical testing. Allele origin: germline.

Genome Diagnostics Laboratory, The Hospital for Sick Children
Classification: Likely benign for Hereditary spastic paraplegia. Last evaluated: 2021-06-14. Review status: criteria provided, single submitter. Criteria: ACMG Guidelines, 2015. Collection method: clinical testing. Allele origin: germline. Affected: yes.

Dubai Health Genomic Medicine Center, Dubai Health
Classification: Benign. Last evaluated: 2020-03-23. Review status: criteria provided, single submitter. Criteria: ACMG Guidelines, 2015. Collection method: clinical testing. Allele origin: germline. Affected: yes.

Athena Diagnostics
Classification: Benign. Last evaluated: 2018-01-02. Review status: criteria provided, single submitter. Criteria: Athena Diagnostics Criteria. Collection method: clinical testing. Allele origin: germline.

Genome Diagnostics Laboratory, Amsterdam University Medical Center
Classification: Likely benign for Hereditary spastic paraplegia 11. Last evaluated: 2017-11-21. Review status: criteria provided, single submitter. Criteria: ACGS Guidelines, 2013. Collection method: clinical testing. Allele origin: germline. Affected: yes. Study: VKGL Data-share Consensus.

Illumina Laboratory Services, Illumina
Classification: Benign for Hereditary spastic paraplegia 11. Last evaluated: 2017-04-27. Review status: criteria provided, single submitter. Criteria: ICSL Variant Classification Criteria 13 December 2019. Collection method: clinical testing. Allele origin: germline.
Comment: This variant was observed as part of a predisposition screen in an ostensibly healthy population. A literature search was performed for the gene, cDNA change, and amino acid change (where applicable). Publications were found based on this search. The evidence from the literature, in combination with allele frequency data from public databases where available, was sufficient to rule this variant out of causing disease. Therefore, this variant is classified as benign.

Center for Pediatric Genomic Medicine, Children's Mercy Hospital and Clinics
Classification: Likely benign. Last evaluated: 2017-04-05. Review status: criteria provided, single submitter. Criteria: ACMG Guidelines, 2015. Collection method: clinical testing. Allele origin: germline.

Unit for Genetic & Epidemiological Research on Neurological Disorders, Instituto de Investigação e Inovação em Saúde
Classification: Uncertain significance for Hereditary spastic paraplegia. Last evaluated: 2017-03-07. Review status: criteria provided, single submitter. Criteria: Morais et al. (Eur J Hum Genet. 2017). Collection method: research. Allele origin: unknown. Affected: yes.

GeneDx
Classification: Benign. Last evaluated: 2017-02-10. Review status: criteria provided, single submitter. Criteria: GeneDx Variant Classification (06012015). Collection method: clinical testing. Allele origin: germline. Affected: yes.
Comment: This variant is considered likely benign or benign based on one or more of the following criteria: it is a conservative change, it occurs at a poorly conserved position in the protein, it is predicted to be benign by multiple in silico algorithms, and/or has population frequency not consistent with disease.

Mayo Clinic Laboratories, Mayo Clinic
Classification: Benign. Last evaluated: 2016-11-03. Review status: criteria provided, single submitter. Criteria: ACMG Guidelines, 2015. Collection method: clinical testing. Allele origin: germline. Observed: 20 variant alleles.

Genome Diagnostics Laboratory, University Medical Center Utrecht
Classification: Benign for Hereditary spastic paraplegia 11. Last evaluated: 2014-10-09. Review status: criteria provided, single submitter. Criteria: ACGS Guidelines, 2013. Collection method: clinical testing. Allele origin: germline. Affected: yes. Study: VKGL Data-share Consensus.

Genetic Services Laboratory, University of Chicago
Classification: Likely benign for AllHighlyPenetrant. Review status: no assertion criteria provided. Collection method: clinical testing. Allele origin: germline. Inheritance: Autosomal recessive inheritance. Not counted in ClinVar's aggregate classification.
Comment: Likely benign based on allele frequency in 1000 Genomes Project or ESP global frequency and its presence in a patient with a rare or unrelated disease phenotype. NOT Sanger confirmed.

Laboratory of Diagnostic Genome Analysis, Leiden University Medical Center (LUMC)
Classification: Likely benign. Review status: no assertion criteria provided. Collection method: clinical testing. Allele origin: germline. Affected: yes. Study: VKGL Data-share Consensus. Not counted in ClinVar's aggregate classification.

Literature cited by the submitters: PubMed 25174650 (cited by Athena Diagnostics and Illumina Laboratory Services, Illumina); PubMed 28832565 (cited by Athena Diagnostics); PubMed 19105190 (cited by Athena Diagnostics and Illumina Laboratory Services, Illumina).